The following is an entry in ClinVar:

ClinVar aggregate classification (germline): Pathogenic (1 of 4 stars; one submission).

Conditions:
Charcot-Marie-Tooth disease type 2. Also called: Charcot-Marie-Tooth type 2. Identifiers: Orphanet 64746, MedGen C0270914, MONDO:0018993.

Submission:

Labcorp Genetics (formerly Invitae), Labcorp
Classification: Pathogenic for Charcot-Marie-Tooth disease type 2. Last evaluated: 2025-11-13. Review status: criteria provided, single submitter. Criteria: Invitae Variant Classification Sherloc (09022015). Collection method: clinical testing. Allele origin: germline.
Comment: This sequence change creates a premature translational stop signal (p.Asp536Thrfs*18) in the MFN2 gene. It is expected to result in an absent or disrupted protein product. Loss-of-function variants in MFN2 are known to be pathogenic (PMID: 16714318, 16835246, 21715711, 23781337, 26955893). This variant is not present in population databases (gnomAD no frequency). This variant has not been reported in the literature in individuals affected with MFN2-related conditions. ClinVar contains an entry for this variant (Variation ID: 1401132). For these reasons, this variant has been classified as Pathogenic.

Literature cited by the submitters: PubMed 16714318; PubMed 16835246; PubMed 21715711; PubMed 23781337; PubMed 26955893.

NM_014874.4(MFN2):c.1606del (p.Asp536fs)

Gene: MFN2 (mitofusin 2; plus strand). Cytogenetic location: 1p36.22.
Variant type: Deletion.
Coding change: c.1606del on transcript NM_014874.4 (MANE Select); coding-DNA position 1606, one base deleted (G; older notation c.1606delG).
Protein change: p.Asp536fs; shifts the reading frame from aspartic acid 536.
Molecular consequence: frameshift variant.
Genome position (GRCh38, 1-based): chr1:12,005,821, G deleted. VCF-style (leftmost placement, unchanged base first): chr1-12005820-TG-T. GRCh37 (hg19) VCF-style: chr1-12065877-TG-T.
Other names: c.1606del, p.Asp536fs (NM_001127660.2); short protein forms D536fs.
Identifiers: ClinVar variation 1401132 (VCV001401132.6), dbSNP rs2100853065, ClinGen allele CA2573130586.